The following is an entry in ClinVar:

ClinVar aggregate classification (germline): Likely pathogenic (1 of 4 stars; one submission).

Conditions:
Hereditary cancer-predisposing syndrome. Also called: Neoplastic Syndromes, Hereditary; Hereditary Cancer Syndrome; Hereditary neoplastic syndrome; Tumor predisposition. Identifiers: Orphanet 140162, MedGen C0027672, MeSH D009386, MONDO:0015356.

Submission:

Ambry Genetics
Classification: Likely pathogenic for Hereditary cancer-predisposing syndrome. Last evaluated: 2026-01-20. Review status: criteria provided, single submitter. Criteria: Ambry Variant Classification Scheme 2023. Collection method: clinical testing. Allele origin: germline.
Comment: The c.314+4A>T intronic alteration consists of an A to T substitution 4 nucleotides after exon 3 (coding exon 3) of the SDHD gene. This variant was not reported in population-based cohorts in the Genome Aggregation Database (gnomAD). Other alterations impacting the same donor site (c.314+1G>A, c.314+1G>T c.314+1G>C, c.314+3A>C) have been detected in individuals with features of SDHD-related paraganglioma-pheochromocytoma syndrome (Ambry internal data). This nucleotide position is highly conserved in available vertebrate species. In silico splice site analysis predicts that this alteration will weaken the native splice donor site. Based on the available evidence, this alteration is classified as likely pathogenic.

NM_003002.4(SDHD):c.314+4A>T

Gene: SDHD (succinate dehydrogenase complex subunit D; plus strand). Cytogenetic location: 11q23.1.
Variant type: single nucleotide variant.
Coding change: c.314+4A>T on transcript NM_003002.4 (MANE Select); 4 bases into the intron after coding-DNA position 314, A replaced by T.
Molecular consequence: intron variant.
Genome position (GRCh38, 1-based): chr11:112,089,015, A>T. VCF-style: chr11-112089015-A-T. GRCh37 (hg19) VCF-style: chr11-111959739-A-T.
Other names: c.314+4A>T (NM_001276506.2); c.169+1042A>T (NM_001276503.2); c.197+4A>T (NM_001276504.2).
Identifiers: ClinVar variation 3438799 (VCV003438799.2).